The following is an entry in ClinVar:

ClinVar aggregate classification (germline): Uncertain significance. Review status: criteria provided, multiple submitters, no conflicts (2 of 4 stars). 5 submissions from 5 submitters: Uncertain significance (5). Last evaluated 2026-02-24.

Conditions:
Lethal congenital glycogen storage disease of heart. Also called: GLYCOGEN STORAGE DISEASE OF HEART; PHOSPHORYLASE KINASE DEFICIENCY OF HEART. Identifiers: Orphanet 439854, MedGen C1849813, MONDO:0009867, OMIM 261740.
PRKAG2-related disorder. Also called: PRKAG2-related condition; PRKAG2-related disorders.
Cardiovascular phenotype. Identifiers: MedGen CN230736.
Cardiomyopathy (CMYO). Also called: Cardiomyopathies. Identifiers: Orphanet 167848, MedGen C0878544, MONDO:0004994, HP:0001638. Inheritance: Various modes of inheritance.

Allele frequency attached by ClinVar (database versions not stated): gnomAD exomes below 0.00001; TOPMed below 0.00001; gnomAD 0.00001.
gnomAD v4.1: 3 of 1,614,014 alleles (0.00019%); highest among the groups gnomAD compares: Admixed American, 0.0017%; no homozygotes.

Submissions (5):

PreventionGenetics, part of Exact Sciences
Classification: Uncertain significance for PRKAG2-related condition. Last evaluated: 2026-02-24. Review status: criteria provided, single submitter. Criteria: ACMG Guidelines, 2015. Collection method: clinical testing. Allele origin: germline.
Comment: The PRKAG2 c.1655A>G variant is predicted to result in the amino acid substitution p.Gln552Arg. To our knowledge, this variant has not been reported in the literature. This variant is reported in 0.00088% of alleles in individuals of European (Non-Finnish) descent in gnomAD. At this time, the clinical significance of this variant is uncertain due to the absence of conclusive functional and genetic evidence.

Labcorp Genetics (formerly Invitae), Labcorp
Classification: Uncertain significance for Lethal congenital glycogen storage disease of heart. Last evaluated: 2025-10-20. Review status: criteria provided, single submitter. Criteria: Invitae Variant Classification Sherloc (09022015). Collection method: clinical testing. Allele origin: germline.
Comment: This sequence change replaces glutamine, which is neutral and polar, with arginine, which is basic and polar, at codon 552 of the PRKAG2 protein (p.Gln552Arg). This variant is present in population databases (no rsID available, gnomAD 0.0009%). This variant has not been reported in the literature in individuals affected with PRKAG2-related conditions. ClinVar contains an entry for this variant (Variation ID: 581064). Invitae Evidence Modeling of protein sequence and biophysical properties (such as structural, functional, and spatial information, amino acid conservation, physicochemical variation, residue mobility, and thermodynamic stability) indicates that this missense variant is not expected to disrupt PRKAG2 protein function with a negative predictive value of 95%. In summary, the available evidence is currently insufficient to determine the role of this variant in disease. Therefore, it has been classified as a Variant of Uncertain Significance.

GeneDx
Classification: Uncertain significance. Last evaluated: 2024-12-11. Review status: criteria provided, single submitter. Criteria: GeneDx Variant Classification Process June 2021. Collection method: clinical testing. Allele origin: germline. Affected: yes.
Comment: Has not been previously published as pathogenic or benign to our knowledge; In silico analysis indicates that this missense variant does not alter protein structure/function; Not observed at significant frequency in large population cohorts (gnomAD)

Color Diagnostics, LLC DBA Color Health
Classification: Uncertain significance for Cardiomyopathy. Last evaluated: 2024-05-24. Review status: criteria provided, single submitter. Criteria: ACMG Guidelines, 2015. Collection method: clinical testing. Allele origin: germline.
Comment: This missense variant replaces glutamine with arginine at codon 552 of the PRKAG2 protein. Computational prediction is inconclusive regarding the impact of this variant on protein structure and function (internally defined REVEL score threshold 0.5 < inconclusive < 0.7, PMID: 27666373). To our knowledge, functional studies have not been reported for this variant. This variant has not been reported in individuals affected with PRKAG2-related disorders in the literature. This variant has been identified in 1/251484 chromosomes in the general population by the Genome Aggregation Database (gnomAD). The available evidence is insufficient to determine the role of this variant in disease conclusively. Therefore, this variant is classified as a Variant of Uncertain Significance.

Ambry Genetics
Classification: Uncertain significance for Cardiovascular phenotype. Last evaluated: 2024-03-24. Review status: criteria provided, single submitter. Criteria: Ambry Variant Classification Scheme 2023. Collection method: clinical testing. Allele origin: germline.
Comment: The p.Q552R variant (also known as c.1655A>G), located in coding exon 15 of the PRKAG2 gene, results from an A to G substitution at nucleotide position 1655. The glutamine at codon 552 is replaced by arginine, an amino acid with highly similar properties. This amino acid position is conserved. In addition, this alteration is predicted to be deleterious by in silico analysis. Based on the available evidence, the clinical significance of this alteration remains unclear.

NM_016203.4(PRKAG2):c.1655A>G (p.Gln552Arg)

Gene: PRKAG2 (protein kinase AMP-activated non-catalytic subunit gamma 2; minus strand). Cytogenetic location: 7q36.1.
Variant type: single nucleotide variant.
Coding change: c.1655A>G on transcript NM_016203.4 (MANE Select); coding-DNA position 1655, A replaced by G.
Protein change: p.Gln552Arg; replaces glutamine 552 with arginine.
Molecular consequence: missense variant.
Genome position (GRCh38, 1-based): chr7:151,560,547, T>C on the plus strand (A>G on the coding strand, the complement: PRKAG2 is on the minus strand). VCF-style: chr7-151560547-T-C. GRCh37 (hg19) VCF-style: chr7-151257633-T-C.
Other names: c.1523A>G, p.Gln508Arg (NM_001040633.2); c.1280A>G, p.Gln427Arg (NM_001304527.2); c.932A>G, p.Gln311Arg (NM_001304531.2, NM_024429.2); c.1283A>G, p.Gln428Arg (NM_001363698.2); short protein forms Q552R, Q428R, Q311R, Q508R, Q427R.
Identifiers: ClinVar variation 581064 (VCV000581064.13), dbSNP rs1335765564, ClinGen allele CA370070273.